The following is an entry in ClinVar:

ClinVar aggregate classification (germline): Uncertain significance. Review status: criteria provided, multiple submitters, no conflicts (2 of 4 stars). 3 submissions from 3 submitters: Uncertain significance (3). Last evaluated 2026-01-30.

Allele frequency attached by ClinVar (database versions not stated): 1000 Genomes Project 30x 0.00016; gnomAD exomes 0.00018; 1000 Genomes Project 0.00020; ExAC 0.00020; ESP Exome Variant Server 0.00024; gnomAD 0.00040 and 0.00048; TOPMed 0.00059.
gnomAD v4.1: 229 of 1,613,764 alleles (0.014%); highest among the groups gnomAD compares: African/African-American, 0.12%; no homozygotes.

Submissions (3):

Women's Health and Genetics/Laboratory Corporation of America, LabCorp
Classification: Uncertain significance. Last evaluated: 2026-01-30. Review status: criteria provided, single submitter. Criteria: LabCorp Variant Classification Summary - May 2015. Collection method: clinical testing. Allele origin: germline.
Comment: Variant summary: C2 c.614G>A (p.Arg205His) results in a non-conservative amino acid change in the encoded protein sequence located near a canonical splice site. Algorithms developed to predict the effect of missense changes on protein structure and function are either unavailable or do not agree on the potential impact of this missense change. Consensus agreement among computation tools predict no significant impact on normal splicing. However, these predictions have yet to be confirmed by functional studies. The variant allele was found at a frequency of 0.00018 in 250504 control chromosomes, predominantly at a frequency of 0.0012 within the African or African-American subpopulation in the gnomAD database. This frequency is not significantly higher than estimated for disease-causing variants in C2, allowing no conclusion about variant significance. c.614G>A has been observed in the heterozygous state in an individual undergoing multigene panel testing for a suspected primary immunodeficiency (Rudilla_2019). This report does not provide unequivocal conclusions about association of the variant with Complement component 2 deficiency. To our knowledge, no experimental evidence demonstrating an impact on protein function has been reported. The following publication has been ascertained in the context of this evaluation (PMID: 31681265). ClinVar contains an entry for this variant (Variation ID: 1442897). Based on the evidence outlined above, the variant was classified as uncertain significance.

Labcorp Genetics (formerly Invitae), Labcorp
Classification: Uncertain significance. Last evaluated: 2024-12-16. Review status: criteria provided, single submitter. Criteria: Invitae Variant Classification Sherloc (09022015). Collection method: clinical testing. Allele origin: germline.
Comment: This sequence change replaces arginine, which is basic and polar, with histidine, which is basic and polar, at codon 205 of the C2 protein (p.Arg205His). This variant is present in population databases (rs147186833, gnomAD 0.1%). This variant has not been reported in the literature in individuals affected with C2-related conditions. ClinVar contains an entry for this variant (Variation ID: 1442897). An algorithm developed to predict the effect of missense changes on protein structure and function (PolyPhen-2) suggests that this variant is likely to be disruptive. In summary, the available evidence is currently insufficient to determine the role of this variant in disease. Therefore, it has been classified as a Variant of Uncertain Significance.

Blueprint Genetics
Classification: Uncertain significance. Last evaluated: 2024-11-08. Review status: criteria provided, single submitter. Criteria: ACMG Guidelines, 2015. Collection method: clinical testing. Allele origin: germline.

Literature cited by the submitters: PubMed 31681265 (cited by Women's Health and Genetics/Laboratory Corporation of America, LabCorp).

NM_000063.6(C2):c.614G>A (p.Arg205His)

Gene: C2 (complement C2; plus strand). Cytogenetic location: 6p21.33.
Variant type: single nucleotide variant.
Coding change: c.614G>A on transcript NM_000063.6 (MANE Select); coding-DNA position 614, G replaced by A.
Protein change: p.Arg205His; replaces arginine 205 with histidine.
Molecular consequence: missense variant.
Genome position (GRCh38, 1-based): chr6:31,933,781, G>A. VCF-style: chr6-31933781-G-A. GRCh37 (hg19) VCF-style: chr6-31901558-G-A.
Other names: c.218G>A, p.Arg73His (NM_001145903.3); c.245G>A, p.Arg82His (NM_001178063.3); c.109G>A, p.Ala37Thr (NM_001282457.2); c.527G>A, p.Arg176His (NM_001282458.2); c.614G>A, p.Arg205His (NM_001282459.2); short protein forms R73H, A37T, R176H, R205H, R82H.
Identifiers: ClinVar variation 1442897 (VCV001442897.7), dbSNP rs147186833, ClinGen allele CA3727442.
Genomic context (GRCh38, chr6:31,933,781, plus strand): 5'-GGTCTTCGGAGCGGGAGTGCCAGGGCAACGGGGTCTGGAGTGGAACGGAGCCCATCTGCC[G>A]CCGTGAGTAGCTGCCCTGCCCTCCTGAGATTCCTCGGCACACCCGGCCACTGCCCCGGCT-3'
Protein context (NP_000054.2, residues 195-215): GVWSGTEPIC[Arg205His]QPYSYDFPED